The following is an entry in ClinVar:

ClinVar aggregate classification (germline): Likely pathogenic (1 of 4 stars; one submission).

Conditions:
Arrhythmogenic right ventricular dysplasia 8 (ARVD8). Also called: Arrhythmogenic Right Ventricular Dysplasia/Cardiomyopathy 8; ARRHYTHMOGENIC RIGHT VENTRICULAR DYSPLASIA, FAMILIAL, 8; ARRHYTHMOGENIC RIGHT VENTRICULAR CARDIOMYOPATHY 8. Identifiers: MedGen C1843896, MONDO:0011831, OMIM 607450.

Submission:

MVZ Medizinische Genetik Mainz
Classification: Likely pathogenic for Arrhythmogenic right ventricular dysplasia 8. Last evaluated: 2025-05-20. Review status: criteria provided, single submitter. Criteria: UK Practice Guidelines For Variant Classification V4 01 2020. Collection method: clinical testing. Allele origin: germline. Inheritance: Autosomal dominant inheritance. Affected: yes. Observed: 1 variant allele.
Comment: ACMG Criteria: PVS1,PM2_SUP

NM_004415.4(DSP):c.6512del (p.Asn2171fs)

Gene: DSP (desmoplakin; plus strand). Cytogenetic location: 6p24.3.
Variant type: Deletion.
Coding change: c.6512del on transcript NM_004415.4 (MANE Select); coding-DNA position 6512, one base deleted (A; older notation c.6512delA).
Protein change: p.Asn2171fs; shifts the reading frame from asparagine 2171.
Molecular consequence: frameshift variant.
Genome position (GRCh38, 1-based): chr6:7,583,774, A deleted; the last of 5 consecutive A bases (chr6:7,583,770-7,583,774); deleting any one gives the same sequence. VCF-style (leftmost placement, unchanged base first): chr6-7583769-GA-G. GRCh37 (hg19) VCF-style: chr6-7584002-GA-G.
Other names: c.4715del, p.Asn1572fs (NM_001008844.3); c.5183del, p.Asn1728fs (NM_001319034.2); short protein forms N1572fs, N1728fs, N2171fs.
Identifiers: ClinVar variation 3907659 (VCV003907659.1).